The following is an entry in ClinVar:

NM_001164508.2(NEB):c.24486+2T>C

Genes: NEB (nebulin; minus strand), RIF1 (replication timing regulatory factor 1; plus strand). Cytogenetic location: 2q23.3.
Variant type: single nucleotide variant.
Coding change: c.24486+2T>C on transcript NM_001164508.2 (MANE Select); the canonical splice donor site of the intron after coding-DNA position 24486, T replaced by C.
Molecular consequence: splice donor variant.
Genome position (GRCh38, 1-based): chr2:151,496,274, A>G on the plus strand (T>C on the coding strand, the complement: NEB is on the minus strand). VCF-style: chr2-151496274-A-G. GRCh37 (hg19) VCF-style: chr2-152352788-A-G.
Other names: c.18918+2T>C (NM_004543.5); c.24486+2T>C (NM_001164507.2); c.24591+2T>C (NM_001271208.2).
Identifiers: ClinVar variation 4750525 (VCV004750525.1).

ClinVar aggregate classification (germline): Likely pathogenic (1 of 4 stars; one submission).

Conditions:
Nemaline myopathy 2 (NEM2). Also called: Nemaline myopathy 2, autosomal recessive. Identifiers: MedGen C1850569, MONDO:0009725, OMIM 256030.

Submission:

Labcorp Genetics (formerly Invitae), Labcorp
Classification: Likely pathogenic for Nemaline myopathy 2. Last evaluated: 2026-01-14. Review status: criteria provided, single submitter. Criteria: Invitae Variant Classification Sherloc (09022015). Collection method: clinical testing. Allele origin: germline.
Comment: This sequence change affects a donor splice site in intron 174 of the NEB gene. It is expected to disrupt RNA splicing. Variants that disrupt the donor or acceptor splice site typically lead to a loss of protein function (PMID: 16199547), and loss-of-function variants in NEB are known to be pathogenic (PMID: 25205138). This variant is present in population databases (rs758113890, gnomAD 0.007%). This variant has not been reported in the literature in individuals affected with NEB-related conditions. Algorithms developed to predict the effect of sequence changes on RNA splicing suggest that this variant may disrupt the consensus splice site. In summary, the currently available evidence indicates that the variant is pathogenic, but additional data are needed to prove that conclusively. Therefore, this variant has been classified as Likely Pathogenic.

Literature cited by the submitters: PubMed 16199547; PubMed 25205138.